The following is an entry in ClinVar:

ClinVar aggregate classification (germline): Likely pathogenic. Review status: reviewed by expert panel (3 of 4 stars). 3 submissions from 3 submitters: Likely pathogenic (1). 2 of the submissions do not count toward it. Last evaluated 2026-06-19.

Conditions:
Hereditary cancer-predisposing syndrome. Also called: Neoplastic Syndromes, Hereditary; Tumor predisposition; Hereditary Cancer Syndrome; Hereditary neoplastic syndrome. Identifiers: Orphanet 140162, MedGen C0027672, MeSH D009386, MONDO:0015356.
ATM-related cancer predisposition. Also called: ATM-related cancer susceptibility. Identifiers: MedGen CN377759, MONDO:0700270.
Ataxia-telangiectasia syndrome (AT). Also called: LOUIS-BAR SYNDROME; Cerebello-oculocutaneous telangiectasia; Immunodeficiency with ataxia telangiectasia; Ataxia telangiectasia (A-T); Ataxia-telangiectasia, complementation group D; AT, COMPLEMENTATION GROUP C. Identifiers: Orphanet 100, MedGen C0004135, MONDO:0008840, OMIM 208900.

Submissions (3):

ClinGen Hereditary Breast, Ovarian and Pancreatic Cancer Variant Curation Expert Panel, ClinGen
Classification: Likely pathogenic for ATM-related cancer predisposition. Last evaluated: 2026-06-19. Review status: reviewed by expert panel. Criteria: ClinGen HBOP ACMG Specifications ATM V1.5.0. Collection method: curation. Allele origin: germline. Inheritance: Autosomal dominant inheritance.
Comment: The c.8150A>C variant in ATM is a missense variant predicted to cause substitution of lysine by threonine at amino acid 2717 (p.Lys2717Thr). This variant has been detected in individual(s) with Ataxia-Telangiectasia (PMID: 12815592). This variant is absent from gnomAD v4.1.1. The computational predictor REVEL gives a score of 0.92, which is above the threshold of 0.733, evidence that correlates with impact to ATM function. In summary, this variant meets the criteria to be classified as likely pathogenic for autosomal dominant ATM-related cancer predisposition and autosomal recessive Ataxia-Telangiectasia based on the ACMG/AMP criteria applied, as specified by the HBOP VCEP. (PM3_Strong, PM2_Supporting, PP3)

Ambry Genetics
Classification: Likely pathogenic for Hereditary cancer-predisposing syndrome. Last evaluated: 2025-09-10. Review status: criteria provided, single submitter. Criteria: Ambry Variant Classification Scheme 2023. Collection method: clinical testing. Allele origin: germline. Not counted in ClinVar's aggregate classification.
Comment: The p.K2717T variant (also known as c.8150A>C), located in coding exon 54 of the ATM gene, results from an A to C substitution at nucleotide position 8150. The lysine at codon 2717 is replaced by threonine, an amino acid with similar properties. This variant has been reported in a compound heterozygous state with an additional ATM mutation in an individual diagnosed with ataxia-telangiectasia (Mitui M et al. Hum Mutat, 2003 Jul;22:43-50). This variant is considered to be rare based on population cohorts in the Genome Aggregation Database (gnomAD). This amino acid position is highly conserved in available vertebrate species. In addition, this alteration is predicted to be deleterious by in silico analysis. Based on the majority of available evidence to date, this variant is likely to be pathogenic.

Labcorp Genetics (formerly Invitae), Labcorp
Classification: Uncertain significance for Ataxia-telangiectasia syndrome. Last evaluated: 2025-01-13. Review status: criteria provided, single submitter. Criteria: Invitae Variant Classification Sherloc (09022015). Collection method: clinical testing. Allele origin: germline. Not counted in ClinVar's aggregate classification.
Comment: This sequence change replaces lysine, which is basic and polar, with threonine, which is neutral and polar, at codon 2717 of the ATM protein (p.Lys2717Thr). This variant is not present in population databases (gnomAD no frequency). This missense change has been observed in individual(s) with ataxia telangiectasia (PMID: 12815592). ClinVar contains an entry for this variant (Variation ID: 1495088). An algorithm developed to predict the effect of missense changes on protein structure and function (PolyPhen-2) suggests that this variant is likely to be disruptive. In summary, the available evidence is currently insufficient to determine the role of this variant in disease. Therefore, it has been classified as a Variant of Uncertain Significance.

Literature cited by the submitters: PubMed 12815592 (cited by Ambry Genetics and Labcorp Genetics (formerly Invitae), Labcorp).

NM_000051.4(ATM):c.8150A>C (p.Lys2717Thr)

Genes: C11orf65 (chromosome 11 open reading frame 65; minus strand), ATM (ATM serine/threonine kinase; plus strand). Cytogenetic location: 11q22.3.
Variant type: single nucleotide variant.
Coding change: c.8150A>C on transcript NM_000051.4 (MANE Select); coding-DNA position 8150, A replaced by C.
Protein change: p.Lys2717Thr; replaces lysine 2717 with threonine.
Molecular consequence: missense variant. On other transcripts: intron variant (2).
Genome position (GRCh38, 1-based): chr11:108,335,108, A>C. VCF-style: chr11-108335108-A-C. GRCh37 (hg19) VCF-style: chr11-108205835-A-C.
Other names: NR_147053.3:n.2372+112T>G; c.8150A>C, p.Lys2717Thr (NM_001351834.2); c.641-26037T>G (NM_001330368.2); c.*38+112T>G (NM_001351110.2); short protein forms K2717T.
Identifiers: ClinVar variation 1495088 (VCV001495088.12), dbSNP rs1555127353, ClinGen allele CA382562263.